The following is an entry in ClinVar:

NM_022458.4(LMBR1):c.180_188delinsTGAACTGAGA (p.Leu61fs)

Gene: LMBR1 (limb development membrane protein 1; minus strand). Cytogenetic location: 7q36.3.
Variant type: Indel.
Coding change: c.180_188delinsTGAACTGAGA on transcript NM_022458.4 (MANE Select); coding-DNA positions 180 to 188, GTTGTTTTT replaced by TGAACTGAGA.
Protein change: p.Leu61fs; shifts the reading frame from leucine 61.
Molecular consequence: frameshift variant. On other transcripts: 5 prime UTR variant (6), non-coding transcript variant (2), intron variant (1).
Genome position (GRCh38, 1-based): chr7:156,826,736-156,826,744, AAAAACAAC replaced by TCTCAGTTCA on the plus strand (GTTGTTTTT replaced by TGAACTGAGA on the coding strand, the reverse complement: LMBR1 is on the minus strand). VCF-style: chr7-156826736-AAAAACAAC-TCTCAGTTCA. GRCh37 (hg19) VCF-style: chr7-156619430-AAAAACAAC-TCTCAGTTCA.
Other names: c.180_188delinsTGAACTGAGA, p.Leu61fs (NM_001350953.2, NM_001363409.2, NM_001363410.2); c.-355_-347delinsTGAACTGAGA (NM_001350955.2, NM_001350956.2, NM_001350958.2 and 1 more transcripts); c.-190_-182delinsTGAACTGAGA (NM_001350957.2, NM_001363411.2); c.117_125delinsTGAACTGAGA, p.Leu40fs (NM_001363412.2); c.40+7009_40+7017delinsTGAACTGAGA (NM_001350954.2); short protein forms L40fs, L61fs.
Identifiers: ClinVar variation 2632404 (VCV002632404.1), dbSNP rs2536643180, ClinGen allele CA2695199646.

ClinVar aggregate classification (germline): Uncertain significance (1 of 4 stars; one submission).

Conditions:
LMBR1-related disorder. Also called: LMBR1-related condition.

Submission:

PreventionGenetics, part of Exact Sciences
Classification: Uncertain significance for LMBR1-related condition. Last evaluated: 2023-05-16. Review status: criteria provided, single submitter. Criteria: ACMG Guidelines, 2015. Collection method: clinical testing. Allele origin: germline.
Comment: The LMBR1 c.180_188delinsTGAACTGAGA variant is predicted to result in a frameshift and premature protein termination (p.Leu61Glufs*26). To our knowledge, this variant has not been reported in the literature or in a large population database, indicating this variant is rare. At this time, the clinical significance of this variant is uncertain due to the absence of conclusive functional and genetic evidence.